The following is an entry in ClinVar:

ClinVar aggregate classification (germline): Uncertain significance (1 of 4 stars; one submission).

Submission:

Labcorp Genetics (formerly Invitae), Labcorp
Classification: Uncertain significance. Last evaluated: 2025-10-14. Review status: criteria provided, single submitter. Criteria: Invitae Variant Classification Sherloc (09022015). Collection method: clinical testing. Allele origin: germline.
Comment: This sequence change replaces aspartic acid, which is acidic and polar, with glutamic acid, which is acidic and polar, at codon 465 of the SEMA4A protein (p.Asp465Glu). This variant is not present in population databases (gnomAD no frequency). This variant has not been reported in the literature in individuals affected with SEMA4A-related conditions. ClinVar contains an entry for this variant (Variation ID: 1714382). Invitae Evidence Modeling of protein sequence and biophysical properties (such as structural, functional, and spatial information, amino acid conservation, physicochemical variation, residue mobility, and thermodynamic stability) indicates that this missense variant is not expected to disrupt SEMA4A protein function with a negative predictive value of 80%. In summary, the available evidence is currently insufficient to determine the role of this variant in disease. Therefore, it has been classified as a Variant of Uncertain Significance.

NM_022367.4(SEMA4A):c.1395C>G (p.Asp465Glu)

Gene: SEMA4A (semaphorin 4A; plus strand). Cytogenetic location: 1q22.
Variant type: single nucleotide variant.
Coding change: c.1395C>G on transcript NM_022367.4 (MANE Select); coding-DNA position 1395, C replaced by G.
Protein change: p.Asp465Glu; replaces aspartic acid 465 with glutamic acid.
Molecular consequence: missense variant.
Genome position (GRCh38, 1-based): chr1:156,174,901, C>G. VCF-style: chr1-156174901-C-G. GRCh37 (hg19) VCF-style: chr1-156144692-C-G.
Other names: c.1395C>G, p.Asp465Glu (NM_001193301.2, NM_001370567.1, NM_001193300.2); c.999C>G, p.Asp333Glu (NM_001193302.2); c.1098C>G, p.Asp366Glu (NM_001370568.1); c.888C>G, p.Asp296Glu (NM_001370569.1, NM_001370571.1); short protein forms D296E, D333E, D366E, D465E.
Identifiers: ClinVar variation 1714382 (VCV001714382.5), dbSNP rs143794631, ClinGen allele CA342809089.